The following is an entry in ClinVar:

NM_000179.3(MSH6):c.3915_3916insA (p.Ala1306fs)

Gene: MSH6 (mutS homolog 6; plus strand). Cytogenetic location: 2p16.3.
Variant type: Insertion.
Coding change: c.3915_3916insA on transcript NM_000179.3 (MANE Select); coding-DNA positions 3915 to 3916, A inserted.
Protein change: p.Ala1306fs; shifts the reading frame from alanine 1306.
Molecular consequence: frameshift variant. On other transcripts: non-coding transcript variant (5), intron variant (1).
Genome position: GRCh38 VCF-style: chr2-47806565-T-TA. GRCh37 (hg19) VCF-style: chr2-48033704-T-TA.
Other names: c.3525_3526insA, p.Ala1176fs (NM_001281492.2); c.3009_3010insA, p.Ala1004fs (NM_001281493.2, NM_001281494.2, NM_001406811.1 and 6 more transcripts); c.4011_4012insA, p.Ala1338fs (NM_001406795.1); c.3915_3916insA, p.Ala1306fs (NM_001406796.1, NM_001406808.1, NM_001406809.1); c.3618_3619insA, p.Ala1207fs (NM_001406797.1, NM_001406801.1, NM_001406805.1 and 10 more transcripts); c.3741_3742insA, p.Ala1248fs (NM_001406798.1); c.3390_3391insA, p.Ala1131fs (NM_001406799.1, NM_001406806.1, NM_001406807.1); c.3902_3903insA, p.Leu1302fs (NM_001406800.1); and 9 more; short protein forms A1004fs, A1018fs, A1131fs, A1176fs, A1207fs, A1248fs, A1250fs, A1280fs.
Identifiers: ClinVar variation 2673787 (VCV002673787.1), dbSNP rs2530868807, ClinGen allele CA2695200649.

ClinVar aggregate classification (germline): Pathogenic (1 of 4 stars; one submission).

Conditions:
Lynch syndrome 5 (LYNCH5). Also called: Colorectal cancer, hereditary nonpolyposis, type 5; Hereditary non-polyposis colorectal cancer, type 5. Identifiers: Orphanet 144, MedGen C1833477, MONDO:0013710, OMIM 614350. Disease mechanism: loss of function.

Submission:

Myriad Genetics, Inc.
Classification: Pathogenic for Lynch syndrome 5. Last evaluated: 2023-08-28. Review status: criteria provided, single submitter. Criteria: Myriad Autosomal Dominant, Autosomal Recessive and X-Linked Classification Criteria (2023). Collection method: clinical testing. Allele origin: unknown.
Comment: This variant is considered pathogenic. This variant creates a frameshift predicted to result in premature protein truncation.